The following is an entry in ClinVar:

ClinVar aggregate classification (germline): Pathogenic. Review status: criteria provided, multiple submitters, no conflicts (2 of 4 stars). 2 submissions from 2 submitters: Pathogenic (2). Last evaluated 2023-01-22.

Conditions:
SLC12A3-related disorder. Also called: SLC12A3-related condition.

Submissions (2):

Labcorp Genetics (formerly Invitae), Labcorp
Classification: Pathogenic. Last evaluated: 2023-01-22. Review status: criteria provided, single submitter. Criteria: Invitae Variant Classification Sherloc (09022015). Collection method: clinical testing. Allele origin: germline.
Comment: For these reasons, this variant has been classified as Pathogenic. Algorithms developed to predict the effect of sequence changes on RNA splicing suggest that this variant may disrupt the consensus splice site. This variant is also known as IVS6 acceptor- 1 G to A. Disruption of this splice site has been observed in individual(s) with clinical features of Gitelman syndrome (PMID: 18581727, 31328266). In at least one individual the data is consistent with being in trans (on the opposite chromosome) from a pathogenic variant. This variant is not present in population databases (gnomAD no frequency). This sequence change affects an acceptor splice site in intron 6 of the SLC12A3 gene. It is expected to disrupt RNA splicing. Variants that disrupt the donor or acceptor splice site typically lead to a loss of protein function (PMID: 16199547), and loss-of-function variants in SLC12A3 are known to be pathogenic (PMID: 20848653, 22009145, 25841442).

Blueprint Genetics
Classification: Pathogenic for SLC12A3-related disorders. Last evaluated: 2022-08-11. Review status: criteria provided, single submitter. Criteria: ACMG Guidelines, 2015. Collection method: clinical testing. Allele origin: germline. Affected: yes. Observed: 1 variant allele.

Literature cited by the submitters: PubMed 18581727 (cited by Labcorp Genetics (formerly Invitae), Labcorp); PubMed 31328266 (cited by Labcorp Genetics (formerly Invitae), Labcorp); PubMed 16199547 (cited by Labcorp Genetics (formerly Invitae), Labcorp); PubMed 20848653 (cited by Labcorp Genetics (formerly Invitae), Labcorp); PubMed 22009145 (cited by Labcorp Genetics (formerly Invitae), Labcorp); PubMed 25841442 (cited by Labcorp Genetics (formerly Invitae), Labcorp).

NM_001126108.2(SLC12A3):c.853-1G>A

Gene: SLC12A3 (solute carrier family 12 member 3; plus strand). Cytogenetic location: 16q13.
Variant type: single nucleotide variant.
Coding change: c.853-1G>A on transcript NM_001126108.2 (MANE Select); the canonical splice acceptor site of the intron before coding-DNA position 853, G replaced by A.
Molecular consequence: splice acceptor variant.
Genome position (GRCh38, 1-based): chr16:56,872,350, G>A. VCF-style: chr16-56872350-G-A. GRCh37 (hg19) VCF-style: chr16-56906262-G-A.
Other names: c.853-1G>A (NM_000339.3); c.850-1G>A (NM_001126107.2, NM_001410896.1).
Identifiers: ClinVar variation 2736346 (VCV002736346.4), dbSNP rs2543487324, ClinGen allele CA395982909.
Genomic context (GRCh38, chr16:56,872,350, plus strand): 5'-GGGGCTTCCCAGAGAGGTAGAACAAAACTATCTGACCTCTGGGGTCCTTCGCCCCCTCCA[G>A]GCCCAGGTGCTGTTCTTCCTTGTCATCATGGTCTCCTTTGCCAACTATTTAGTGGGGACG-3'